The following is an entry in ClinVar:

ClinVar aggregate classification (germline): Pathogenic (1 of 4 stars; one submission).

Conditions:
Mucopolysaccharidosis, MPS-II (MPS2). Also called: Hunter Syndrome; IDURONATE 2-SULFATASE DEFICIENCY; Mucopolysaccharidosis Type II; Mucopolysaccharidosis type 2; Attenuated MPS (subtype; formerly known as mild MPS II); Severe MPS II. Identifiers: Orphanet 580, Orphanet 79388, MedGen C0026705, MONDO:0010674, OMIM 309900.

Submission:

Laboratory of Diagnosis and Therapy of Lysosomal Disorders, University of Padova
Classification: Pathogenic for Mucopolysaccharidosis, MPS-II. Last evaluated: 2024-06-07. Review status: criteria provided, single submitter. Criteria: ACMG Guidelines, 2015. Collection method: literature only. Allele origin: germline. Affected: yes. Observed: 1 variant allele.
Comment: Null variant (PVS1_VeryStrong), Absent from controls (or at low frequency) in gnomAD database (PM2_Moderate), Patient’s phenotype or family history highly specific for the disease (PP4_Strong)

Classification method: ACMG Guidelines [PMID:25741868] with modifications

Literature cited by the submitters: PubMed 34813777.

NM_000202.8(IDS):c.1020_1021dup (p.Glu341fs)

Genes: IDS (iduronate 2-sulfatase; minus strand), LOC106050102 (IDS recombination region; plus strand). Cytogenetic location: Xq28.
Variant type: Duplication.
Coding change: c.1020_1021dup on transcript NM_000202.8 (MANE Select); coding-DNA positions 1020 to 1021, 2 bases duplicated (TG; older notation c.1020_1021dupTG).
Protein change: p.Glu341fs; shifts the reading frame from glutamic acid 341.
Molecular consequence: frameshift variant.
Genome position (GRCh38, 1-based): chrX:149,487,084-149,487,085, CA duplicated on the plus strand (TG on the coding strand, the reverse complement: IDS is on the minus strand); duplicating any 2 consecutive bases within chrX:149,487,084-149,487,086 gives the same sequence; the c. name uses the placement nearest the transcript's 3' end. VCF-style (leftmost placement, unchanged base first): chrX-149487083-T-TCA. GRCh37 (hg19) VCF-style: chrX-148568614-T-TCA.
Other names: c.750_751dup, p.Glu251fs (NM_001166550.4); short protein forms E251fs, E341fs.
Identifiers: ClinVar variation 3255923 (VCV003255923.2).